The following is an entry in ClinVar:

NM_001376.5(DYNC1H1):c.5303G>T (p.Ser1768Ile)

Gene: DYNC1H1 (dynein cytoplasmic 1 heavy chain 1; plus strand). Cytogenetic location: 14q32.31.
Variant type: single nucleotide variant.
Coding change: c.5303G>T on transcript NM_001376.5 (MANE Select); coding-DNA position 5303, G replaced by T.
Protein change: p.Ser1768Ile; replaces serine 1768 with isoleucine.
Molecular consequence: missense variant.
Genome position (GRCh38, 1-based): chr14:102,005,106, G>T. VCF-style: chr14-102005106-G-T. GRCh37 (hg19) VCF-style: chr14-102471443-G-T.
Other names: short protein forms S1768I.
Identifiers: ClinVar variation 2891426 (VCV002891426.3), dbSNP rs1470753138, ClinGen allele CA391046410.

ClinVar aggregate classification (germline): Uncertain significance (1 of 4 stars; one submission).

Conditions:
Charcot-Marie-Tooth disease axonal type 2O. Also called: CHARCOT-MARIE-TOOTH NEUROPATHY, AXONAL, TYPE 2O; CHARCOT-MARIE-TOOTH DISEASE, AXONAL, AUTOSOMAL DOMINANT, TYPE 2O; Charcot-Marie-Tooth Neuropathy Type 2O; Charcot-Marie-Tooth disease, axonal, type 20. Identifiers: Orphanet 284232, MedGen C3280220, MONDO:0013644, OMIM 614228.

Allele frequency attached by ClinVar (database versions not stated): gnomAD exomes below 0.00001.
gnomAD v4.1: 1 of 1,614,220 alleles (0.000062%); highest among the groups gnomAD compares: Non-Finnish European, 0.000085%; no homozygotes.

Submission:

Labcorp Genetics (formerly Invitae), Labcorp
Classification: Uncertain significance for Charcot-Marie-Tooth disease axonal type 2O. Last evaluated: 2023-03-09. Review status: criteria provided, single submitter. Criteria: Invitae Variant Classification Sherloc (09022015). Collection method: clinical testing. Allele origin: germline.
Comment: This sequence change replaces serine, which is neutral and polar, with isoleucine, which is neutral and non-polar, at codon 1768 of the DYNC1H1 protein (p.Ser1768Ile). This variant is not present in population databases (gnomAD no frequency). This missense change has been observed in individual(s) with amyotrophic lateral sclerosis (PMID: 32397312). Advanced modeling of protein sequence and biophysical properties (such as structural, functional, and spatial information, amino acid conservation, physicochemical variation, residue mobility, and thermodynamic stability) performed at Invitae indicates that this missense variant is not expected to disrupt DYNC1H1 protein function. In summary, the available evidence is currently insufficient to determine the role of this variant in disease. Therefore, it has been classified as a Variant of Uncertain Significance.

Literature cited by the submitters: PubMed 32397312.